The following is an entry in ClinVar:

NM_001384910.1(GUCA1A):c.369C>A (p.Asn123Lys)

Genes: GUCA1A (guanylate cyclase activator 1A; plus strand), GUCA1ANB-GUCA1A (GUCA1ANB-GUCA1A readthrough; plus strand). Cytogenetic location: 6p21.1.
Variant type: single nucleotide variant.
Coding change: c.369C>A on transcript NM_001384910.1 (MANE Select); coding-DNA position 369, C replaced by A.
Protein change: p.Asn123Lys; replaces asparagine 123 with lysine.
Molecular consequence: missense variant.
Genome position (GRCh38, 1-based): chr6:42,178,819, C>A. VCF-style: chr6-42178819-C-A. GRCh37 (hg19) VCF-style: chr6-42146557-C-A.
Other names: c.369C>A, p.Asn123Lys (NM_000409.5, NM_001319061.2, NM_001319062.2); short protein forms N123K.
Identifiers: ClinVar variation 1495068 (VCV001495068.8), dbSNP rs867885093, ClinGen allele CA138137281.

ClinVar aggregate classification (germline): Uncertain significance (1 of 4 stars; one submission).

Allele frequency attached by ClinVar (database versions not stated): gnomAD exomes below 0.00001.

Submission:

Labcorp Genetics (formerly Invitae), Labcorp
Classification: Uncertain significance. Last evaluated: 2025-05-05. Review status: criteria provided, single submitter. Criteria: Invitae Variant Classification Sherloc (09022015). Collection method: clinical testing. Allele origin: germline.
Comment: This sequence change replaces asparagine, which is neutral and polar, with lysine, which is basic and polar, at codon 123 of the GUCA1A protein (p.Asn123Lys). This variant is present in population databases (no rsID available, gnomAD 0.0009%). This variant has not been reported in the literature in individuals affected with GUCA1A-related conditions. ClinVar contains an entry for this variant (Variation ID: 1495068). An algorithm developed to predict the effect of missense changes on protein structure and function (PolyPhen-2) suggests that this variant is likely to be disruptive. In summary, the available evidence is currently insufficient to determine the role of this variant in disease. Therefore, it has been classified as a Variant of Uncertain Significance.